The following is an entry in ClinVar:

NM_000051.4(ATM):c.7051G>A (p.Glu2351Lys)

Genes: ATM (ATM serine/threonine kinase; plus strand), C11orf65 (chromosome 11 open reading frame 65; minus strand). Cytogenetic location: 11q22.3.
Variant type: single nucleotide variant.
Coding change: c.7051G>A on transcript NM_000051.4 (MANE Select); coding-DNA position 7051, G replaced by A.
Protein change: p.Glu2351Lys; replaces glutamic acid 2351 with lysine.
Molecular consequence: missense variant. On other transcripts: intron variant (2).
Genome position (GRCh38, 1-based): chr11:108,327,720, G>A. VCF-style: chr11-108327720-G-A. GRCh37 (hg19) VCF-style: chr11-108198447-G-A.
Other names: c.7051G>A, p.Glu2351Lys (NM_001351834.2); c.641-18649C>T (NM_001330368.2); c.*38+7500C>T (NM_001351110.2); short protein forms E2351K.
Identifiers: ClinVar variation 1756895 (VCV001756895.2), dbSNP rs2136377579, ClinGen allele CA382558957.

ClinVar aggregate classification (germline): Uncertain significance (1 of 4 stars; one submission).

Conditions:
Hereditary cancer-predisposing syndrome. Also called: Hereditary neoplastic syndrome; Neoplastic Syndromes, Hereditary; Tumor predisposition; Hereditary Cancer Syndrome. Identifiers: Orphanet 140162, MedGen C0027672, MeSH D009386, MONDO:0015356.

Submission:

Ambry Genetics
Classification: Uncertain significance for Hereditary cancer-predisposing syndrome. Last evaluated: 2020-07-31. Review status: criteria provided, single submitter. Criteria: Ambry Variant Classification Scheme 2023. Collection method: clinical testing. Allele origin: germline.
Comment: The p.E2351K variant (also known as c.7051G>A), located in coding exon 47 of the ATM gene, results from a G to A substitution at nucleotide position 7051. The glutamic acid at codon 2351 is replaced by lysine, an amino acid with similar properties. This amino acid position is highly conserved in available vertebrate species. In addition, this alteration is predicted to be deleterious by in silico analysis. Since supporting evidence is limited at this time, the clinical significance of this alteration remains unclear.